The following is an entry in ClinVar:

ClinVar aggregate classification (germline): Uncertain significance (1 of 4 stars; one submission).

Submission:

Labcorp Genetics (formerly Invitae), Labcorp
Classification: Uncertain significance. Last evaluated: 2023-10-13. Review status: criteria provided, single submitter. Criteria: Invitae Variant Classification Sherloc (09022015). Collection method: clinical testing. Allele origin: germline.
Comment: This sequence change replaces valine, which is neutral and non-polar, with leucine, which is neutral and non-polar, at codon 63 of the PDE6B protein (p.Val63Leu). This variant is not present in population databases (gnomAD no frequency). This variant has not been reported in the literature in individuals affected with PDE6B-related conditions. Advanced modeling of protein sequence and biophysical properties (such as structural, functional, and spatial information, amino acid conservation, physicochemical variation, residue mobility, and thermodynamic stability) performed at Invitae indicates that this missense variant is not expected to disrupt PDE6B protein function. In summary, the available evidence is currently insufficient to determine the role of this variant in disease. Therefore, it has been classified as a Variant of Uncertain Significance.

NM_000283.4(PDE6B):c.187G>C (p.Val63Leu)

Gene: PDE6B (phosphodiesterase 6B; plus strand). Cytogenetic location: 4p16.3.
Variant type: single nucleotide variant.
Coding change: c.187G>C on transcript NM_000283.4 (MANE Select); coding-DNA position 187, G replaced by C.
Protein change: p.Val63Leu; replaces valine 63 with leucine.
Molecular consequence: missense variant.
Genome position (GRCh38, 1-based): chr4:625,813, G>C. VCF-style: chr4-625813-G-C. GRCh37 (hg19) VCF-style: chr4-619602-G-C.
Other names: c.187G>C, p.Val63Leu (NM_001145291.2); short protein forms V63L.
Identifiers: ClinVar variation 2873400 (VCV002873400.3), dbSNP rs2474073447, ClinGen allele CA355906337.